The following is an entry in ClinVar:

NM_001943.5(DSG2):c.2002-7C>A

Genes: DSG2 (desmoglein 2; plus strand), DSG2-AS1 (DSG2 antisense RNA 1; minus strand). Cytogenetic location: 18q12.1.
Variant type: single nucleotide variant.
Coding change: c.2002-7C>A on transcript NM_001943.5 (MANE Select); 7 bases into the intron before coding-DNA position 2002, C replaced by A.
Molecular consequence: intron variant.
Genome position (GRCh38, 1-based): chr18:31,542,513, C>A. VCF-style: chr18-31542513-C-A. GRCh37 (hg19) VCF-style: chr18-29122476-C-A.
Identifiers: ClinVar variation 4743974 (VCV004743974.1).

ClinVar aggregate classification (germline): Uncertain significance (1 of 4 stars; one submission).

Conditions:
Arrhythmogenic right ventricular dysplasia 10. Also called: Arrhythmogenic Right Ventricular Dysplasia/Cardiomyopathy10; ARRHYTHMOGENIC RIGHT VENTRICULAR DYSPLASIA, FAMILIAL, 10; Arrhythmogenic right ventricular dysplasia/cardiomyopathy, type 10. Identifiers: MedGen C1857777, MONDO:0012434, OMIM 610193.

gnomAD v4.1: 1 of 1,613,700 alleles (0.000062%); highest among the groups gnomAD compares: Non-Finnish European, 0.000085%; no homozygotes.

Submission:

Labcorp Genetics (formerly Invitae), Labcorp
Classification: Uncertain significance for Arrhythmogenic right ventricular dysplasia 10. Last evaluated: 2025-09-29. Review status: criteria provided, single submitter. Criteria: Invitae Variant Classification Sherloc (09022015). Collection method: clinical testing. Allele origin: germline.
Comment: This sequence change falls in intron 13 of the DSG2 gene. It does not directly change the encoded amino acid sequence of the DSG2 protein. This variant is present in population databases (no rsID available, gnomAD 0.0009%). This variant has not been reported in the literature in individuals affected with DSG2-related conditions. Algorithms developed to predict the effect of sequence changes on RNA splicing suggest that this variant may disrupt the consensus splice site. In summary, the available evidence is currently insufficient to determine the role of this variant in disease. Therefore, it has been classified as a Variant of Uncertain Significance.